The following is an entry in ClinVar:

ClinVar aggregate classification (germline): Uncertain significance (1 of 4 stars; one submission).

Conditions:
Cardiovascular phenotype. Identifiers: MedGen CN230736.

Submission:

Ambry Genetics
Classification: Uncertain significance for Cardiovascular phenotype. Last evaluated: 2024-10-14. Review status: criteria provided, single submitter. Criteria: Ambry Variant Classification Scheme 2023. Collection method: clinical testing. Allele origin: germline.
Comment: The p.P732T variant (also known as c.2194C>A), located in coding exon 17 of the JAG1 gene, results from a C to A substitution at nucleotide position 2194. The proline at codon 732 is replaced by threonine, an amino acid with highly similar properties. This amino acid position is conserved. In addition, this alteration is predicted to be tolerated by in silico analysis. Based on the available evidence, the clinical significance of this variant remains unclear.

NM_000214.3(JAG1):c.2194C>A (p.Pro732Thr)

Gene: JAG1 (jagged canonical Notch ligand 1; minus strand). Cytogenetic location: 20p12.2.
Variant type: single nucleotide variant.
Coding change: c.2194C>A on transcript NM_000214.3 (MANE Select); coding-DNA position 2194, C replaced by A.
Protein change: p.Pro732Thr; replaces proline 732 with threonine.
Molecular consequence: missense variant.
Genome position (GRCh38, 1-based): chr20:10,645,176, G>T on the plus strand (C>A on the coding strand, the complement: JAG1 is on the minus strand). VCF-style: chr20-10645176-G-T. GRCh37 (hg19) VCF-style: chr20-10625824-G-T.
Other names: short protein forms P732T.
Identifiers: ClinVar variation 3531173 (VCV003531173.1).